The following is an entry in ClinVar:

NM_002292.4(LAMB2):c.4043A>G (p.Asn1348Ser)

Gene: LAMB2 (laminin subunit beta 2; minus strand). Cytogenetic location: 3p21.31.
Variant type: single nucleotide variant.
Coding change: c.4043A>G on transcript NM_002292.4 (MANE Select); coding-DNA position 4043, A replaced by G.
Protein change: p.Asn1348Ser; replaces asparagine 1348 with serine.
Molecular consequence: missense variant.
Genome position (GRCh38, 1-based): chr3:49,123,313, T>C on the plus strand (A>G on the coding strand, the complement: LAMB2 is on the minus strand). VCF-style: chr3-49123313-T-C. GRCh37 (hg19) VCF-style: chr3-49160746-T-C.
Other names: short protein forms N1348S.
Identifiers: ClinVar variation 345981 (VCV000345981.10), dbSNP rs771215576, ClinGen allele CA2393882.

ClinVar aggregate classification (germline): Uncertain significance. Review status: criteria provided, multiple submitters, no conflicts (2 of 4 stars). 5 submissions from 4 submitters: Uncertain significance (5). Last evaluated 2024-11-11.

Conditions:
LAMB2-related infantile-onset nephrotic syndrome. Also called: NEPHROTIC SYNDROME, TYPE 5, WITHOUT OCULAR ABNORMALITIES; NEPHROTIC SYNDROME, TYPE 5, WITH OCULAR ABNORMALITIES; Nephrotic Syndrome, type 5. Identifiers: Orphanet 306507, MedGen C3280113, MONDO:0013621, OMIM 614199.
Pierson syndrome. Also called: MICROCORIA-CONGENITAL NEPHROTIC SYNDROME. Identifiers: Orphanet 2670, MedGen C1836876, MONDO:0012184, OMIM 609049.
Inborn genetic diseases. Identifiers: MedGen C0950123, MeSH D030342.

Allele frequency attached by ClinVar (database versions not stated): gnomAD 0.00003 and 0.00004; TOPMed 0.00004.

Submissions (5):

Labcorp Genetics (formerly Invitae), Labcorp
Classification: Uncertain significance for LAMB2-related infantile-onset nephrotic syndrome; Pierson syndrome. Last evaluated: 2024-11-11. Review status: criteria provided, single submitter. Criteria: Invitae Variant Classification Sherloc (09022015). Collection method: clinical testing. Allele origin: germline.
Comment: This sequence change replaces asparagine, which is neutral and polar, with serine, which is neutral and polar, at codon 1348 of the LAMB2 protein (p.Asn1348Ser). This variant is present in population databases (rs771215576, gnomAD 0.009%). This variant has not been reported in the literature in individuals affected with LAMB2-related conditions. ClinVar contains an entry for this variant (Variation ID: 345981). An algorithm developed to predict the effect of missense changes on protein structure and function (PolyPhen-2) suggests that this variant is likely to be disruptive. In summary, the available evidence is currently insufficient to determine the role of this variant in disease. Therefore, it has been classified as a Variant of Uncertain Significance.

Fulgent Genetics
Classification: Uncertain significance for Pierson syndrome; LAMB2-related infantile-onset nephrotic syndrome. Last evaluated: 2022-02-17. Review status: criteria provided, single submitter. Criteria: ACMG Guidelines, 2015. Collection method: clinical testing. Allele origin: unknown.

Ambry Genetics
Classification: Uncertain significance for Inborn genetic diseases. Last evaluated: 2021-04-30. Review status: criteria provided, single submitter. Criteria: Ambry Variant Classification Scheme 2023. Collection method: clinical testing. Allele origin: germline.

Illumina Laboratory Services, Illumina
Classification: Uncertain significance for Pierson syndrome. Last evaluated: 2018-01-12. Review status: criteria provided, single submitter. Criteria: ICSL Variant Classification Criteria 13 December 2019. Collection method: clinical testing. Allele origin: germline.

Illumina Laboratory Services, Illumina
Classification: Uncertain significance for LAMB2-related infantile-onset nephrotic syndrome. Last evaluated: 2018-01-12. Review status: criteria provided, single submitter. Criteria: ICSL Variant Classification Criteria 13 December 2019. Collection method: clinical testing. Allele origin: germline.